The following is an entry in ClinVar:

ClinVar aggregate classification (germline): Pathogenic/Likely pathogenic. Review status: criteria provided, multiple submitters, no conflicts (2 of 4 stars). 3 submissions from 3 submitters: Pathogenic (2); Likely pathogenic (1). Last evaluated 2026-07-27.

Conditions:
Congenital contractures of the limbs and face, hypotonia, and developmental delay (CLIFAHDD). Identifiers: Orphanet 562528, MedGen C4225398, MONDO:0014556, OMIM 616266.

Submissions (3):

GeneDx
Classification: Pathogenic. Last evaluated: 2026-07-27. Review status: criteria provided, single submitter. Criteria: GeneDx Variant Classification Process June 2021. Collection method: clinical testing. Allele origin: germline.
Comment: Reported as a de novo variant in one proband from a large exome sequencing study, however detailed clinical information was not provided (PMID: 37236975); Not observed at significant frequency in large population cohorts (gnomAD); In silico analysis suggests that this missense variant does not alter protein structure/function; This variant is associated with the following publications: (PMID: 37236975)

Kasturba Medical College, Manipal, Kasturba Medical College, Manipal, Manipal Academy of Higher Education, Manipal, India
Classification: Likely pathogenic for Congenital contractures of the limbs and face, hypotonia, and developmental delay. Last evaluated: 2026-03-18. Review status: criteria provided, single submitter. Criteria: ACMG Guidelines, 2015. Collection method: research. Allele origin: de novo. Inheritance: Autosomal dominant inheritance. Affected: yes. Observed: 1 variant allele, 1 heterozygote.
Comment: This variant is absent in heterozygous and/or homozygous state in gnomAD (v4.1.0) population database and our in-house exome data of 3904 individuals. In-silico prediction tools (CADD_Phred and REVEL) are consistent in predicting the variant to be damaging to the NALCN protein structure and function. This variant has been reported as pathogenic by two submitters in ClinVar (VCV000816891.6).

Genomic Medicine Lab, University of California San Francisco
Classification: Pathogenic for Congenital contractures of the limbs and face, hypotonia, and developmental delay. Last evaluated: 2018-11-08. Review status: criteria provided, single submitter. Criteria: ACMG Guidelines, 2015. Collection method: clinical testing. Allele origin: de novo. Inheritance: Autosomal dominant inheritance. Affected: yes. Study: CSER.

NM_052867.4(NALCN):c.3448C>A (p.Leu1150Ile)

Gene: NALCN (sodium leak channel, non-selective; minus strand). Cytogenetic location: 13q32.3.
Variant type: single nucleotide variant.
Coding change: c.3448C>A on transcript NM_052867.4 (MANE Select); coding-DNA position 3448, C replaced by A.
Protein change: p.Leu1150Ile; replaces leucine 1150 with isoleucine.
Molecular consequence: missense variant.
Genome position (GRCh38, 1-based): chr13:101,089,704, G>T on the plus strand (C>A on the coding strand, the complement: NALCN is on the minus strand). VCF-style: chr13-101089704-G-T. GRCh37 (hg19) VCF-style: chr13-101742055-G-T.
Other names: c.3535C>A, p.Leu1179Ile (NM_001350748.2); c.3448C>A, p.Leu1150Ile (NM_001350749.2); c.3361C>A, p.Leu1121Ile (NM_001350750.2, NM_001350751.2); short protein forms L1179I, L1121I, L1150I.
Identifiers: ClinVar variation 816891 (VCV000816891.8), dbSNP rs1555378616, ClinGen allele CA388652631.